The following is an entry in ClinVar:

NM_000709.4(BCKDHA):c.55C>T (p.Gln19Ter)

Gene: BCKDHA (branched chain keto acid dehydrogenase E1 subunit alpha; plus strand). Cytogenetic location: 19q13.2.
Variant type: single nucleotide variant.
Coding change: c.55C>T on transcript NM_000709.4 (MANE Select); coding-DNA position 55, C replaced by T.
Protein change: p.Gln19Ter; replaces glutamine 19 with a stop codon.
Molecular consequence: nonsense.
Genome position (GRCh38, 1-based): chr19:41,397,882, C>T. VCF-style: chr19-41397882-C-T. GRCh37 (hg19) VCF-style: chr19-41903787-C-T.
Other names: c.55C>T, p.Gln19Ter (NM_001164783.2); short protein forms Q19*.
Identifiers: ClinVar variation 2972907 (VCV002972907.4), dbSNP rs1176952770, ClinGen allele CA406023192.
Genomic context (GRCh38, chr19:41,397,882, plus strand): 5'-GCCAAGATGGCGGTAGCGATCGCTGCAGCGAGGGTCTGGCGGCTAAACCGTGGTTTGAGC[C>T]AGGCTGCCCTCCTGCTGCTGCGGCAGCCTGGGGCTCGGGGACTGGCTAGATCTGTGAGTA-3'

ClinVar aggregate classification (germline): Pathogenic. Review status: criteria provided, multiple submitters, no conflicts (2 of 4 stars). 2 submissions from 2 submitters: Pathogenic (2). Last evaluated 2026-01-13.

Conditions:
Maple syrup urine disease type 1A (MSUD1A). Also called: MSUD type 1A. Identifiers: MedGen C1855369, MONDO:0023691, OMIM 248600.
Maple syrup urine disease (MSUD). Identifiers: Orphanet 511, MedGen C0024776, MeSH D008375, MONDO:0009563. Disease mechanism: loss of function.

gnomAD v4.1: 1 of 1,614,152 alleles (0.000062%); highest among the groups gnomAD compares: Non-Finnish European, 0.000085%; no homozygotes.

Submissions (2):

Myriad Genetics, Inc.
Classification: Pathogenic for Maple syrup urine disease type 1A. Last evaluated: 2026-01-13. Review status: criteria provided, single submitter. Criteria: Myriad Autosomal Dominant, Autosomal Recessive and X-Linked Classification Criteria (2023). Collection method: clinical testing. Allele origin: unknown.
Comment: NM_000709.3(BCKDHA):c.55C>T(Q19*) is a nonsense variant classified as pathogenic in the context of maple syrup urine disease type Ia. Q19* has been observed in a case with relevant disease (PMID: 32193832). Relevant functional assessments of this variant are not available in the literature. Q19* has not been observed in referenced population frequency databases. In summary, NM_000709.3(BCKDHA):c.55C>T(Q19*) is a nonsense variant in a gene where loss of function is a known mechanism of disease, is predicted to disrupt protein function, and has been observed more frequently in cases with the relevant disease than in healthy populations. Please note: this variant was assessed in the context of healthy population screening.

Labcorp Genetics (formerly Invitae), Labcorp
Classification: Pathogenic for Maple syrup urine disease. Last evaluated: 2022-11-26. Review status: criteria provided, single submitter. Criteria: Invitae Variant Classification Sherloc (09022015). Collection method: clinical testing. Allele origin: germline.
Comment: This premature translational stop signal has been observed in individual(s) with maple syrup urine disease (PMID: 32193832). This variant is not present in population databases (gnomAD no frequency). This sequence change creates a premature translational stop signal (p.Gln19*) in the BCKDHA gene. It is expected to result in an absent or disrupted protein product. Loss-of-function variants in BCKDHA are known to be pathogenic (PMID: 16786533, 22593002). For these reasons, this variant has been classified as Pathogenic.

Literature cited by the submitters: PubMed 32193832 (cited by Myriad Genetics, Inc. and Labcorp Genetics (formerly Invitae), Labcorp); PubMed 16786533 (cited by Labcorp Genetics (formerly Invitae), Labcorp); PubMed 22593002 (cited by Labcorp Genetics (formerly Invitae), Labcorp).